The following is an entry in ClinVar:

ClinVar aggregate classification (germline): Uncertain significance. Review status: criteria provided, multiple submitters, no conflicts (2 of 4 stars). 4 submissions from 4 submitters: Uncertain significance (3). 1 of the submissions does not count toward it. Last evaluated 2025-09-08.

Conditions:
Inborn genetic diseases. Identifiers: MedGen C0950123, MeSH D030342.
KIDINS220-related disorder. Also called: KIDINS220-related condition.

Allele frequency attached by ClinVar (database versions not stated): ExAC 0.00002; TOPMed 0.00004; gnomAD exomes 0.00006 and 0.00011; gnomAD 0.00007.
gnomAD v4.1: 177 of 1,613,932 alleles (0.011%); highest among the groups gnomAD compares: Middle Eastern, 0.016%; no homozygotes.

Submissions (4):

Labcorp Genetics (formerly Invitae), Labcorp
Classification: Uncertain significance. Last evaluated: 2025-09-08. Review status: criteria provided, single submitter. Criteria: Invitae Variant Classification Sherloc (09022015). Collection method: clinical testing. Allele origin: germline.
Comment: This sequence change replaces alanine, which is neutral and non-polar, with threonine, which is neutral and polar, at codon 697 of the KIDINS220 protein (p.Ala697Thr). This variant is present in population databases (rs761044466, gnomAD 0.009%). This variant has not been reported in the literature in individuals affected with KIDINS220-related conditions. ClinVar contains an entry for this variant (Variation ID: 1486063). An algorithm developed to predict the effect of missense changes on protein structure and function (PolyPhen-2) suggests that this variant is likely to be tolerated. In summary, the available evidence is currently insufficient to determine the role of this variant in disease. Therefore, it has been classified as a Variant of Uncertain Significance.

Ambry Genetics
Classification: Uncertain significance for Inborn genetic diseases. Last evaluated: 2024-06-13. Review status: criteria provided, single submitter. Criteria: Ambry Variant Classification Scheme 2023. Collection method: clinical testing. Allele origin: germline.

CeGaT Center for Human Genetics Tuebingen
Classification: Uncertain significance. Last evaluated: 2024-01-01. Review status: criteria provided, single submitter. Criteria: CeGaT Center For Human Genetics Tuebingen Variant Classification Criteria Version 2. Collection method: clinical testing. Allele origin: germline. Affected: yes. Observed: 1 variant allele.
Comment: KIDINS220: PM2:Supporting

PreventionGenetics, part of Exact Sciences
Classification: Uncertain significance for KIDINS220-related condition. Last evaluated: 2024-05-28. Review status: no assertion criteria provided. Collection method: clinical testing. Allele origin: germline. Not counted in ClinVar's aggregate classification.
Comment: The KIDINS220 c.2089G>A variant is predicted to result in the amino acid substitution p.Ala697Thr. To our knowledge, this variant has not been reported in the literature. This variant is reported in 0.0088% of alleles in individuals of European (Non-Finnish) descent in gnomAD. At this time, the clinical significance of this variant is uncertain due to the absence of conclusive functional and genetic evidence.

NM_020738.4(KIDINS220):c.2089G>A (p.Ala697Thr)

Gene: KIDINS220 (kinase D interacting substrate 220; minus strand). Cytogenetic location: 2p25.1.
Variant type: single nucleotide variant.
Coding change: c.2089G>A on transcript NM_020738.4 (MANE Select); coding-DNA position 2089, G replaced by A.
Protein change: p.Ala697Thr; replaces alanine 697 with threonine.
Molecular consequence: missense variant. On other transcripts: non-coding transcript variant (2).
Genome position (GRCh38, 1-based): chr2:8,785,881, C>T on the plus strand (G>A on the coding strand, the complement: KIDINS220 is on the minus strand). VCF-style: chr2-8785881-C-T. GRCh37 (hg19) VCF-style: chr2-8926011-C-T.
Other names: c.2092G>A, p.Ala698Thr (NM_001348740.2, NM_001348745.2, NM_001348729.2 and 3 more transcripts); c.2089G>A, p.Ala697Thr (NM_001348741.2, NM_001348742.2, NM_001348743.2 and 3 more transcripts); c.1963G>A, p.Ala655Thr (NM_001348736.2); c.2089G>A (NM_020738.2); short protein forms A655T, A698T, A697T.
Identifiers: ClinVar variation 1486063 (VCV001486063.32), dbSNP rs761044466, ClinGen allele CA1520047.